The following is an entry in ClinVar:

NM_198994.3(TGM6):c.850+4C>T

Gene: TGM6 (transglutaminase 6; plus strand). Cytogenetic location: 20p13.
Variant type: single nucleotide variant.
Coding change: c.850+4C>T on transcript NM_198994.3 (MANE Select); 4 bases into the intron after coding-DNA position 850, C replaced by T.
Molecular consequence: intron variant.
Genome position (GRCh38, 1-based): chr20:2,399,742, C>T. VCF-style: chr20-2399742-C-T. GRCh37 (hg19) VCF-style: chr20-2380388-C-T.
Other names: c.850+4C>T (NM_001254734.2).
Identifiers: ClinVar variation 895399 (VCV000895399.8), dbSNP rs765181893, ClinGen allele CA9731836.

ClinVar aggregate classification (germline): Conflicting classifications of pathogenicity. Review status: criteria provided, conflicting classifications (1 of 4 stars). 2 submissions from 2 submitters: Uncertain significance (1); Likely benign (1). Last evaluated 2022-04-04.

Conditions:
Spinocerebellar ataxia type 35. Identifiers: Orphanet 276193, MedGen C3888031, MONDO:0013485, OMIM 613908.

Allele frequency attached by ClinVar (database versions not stated): TOPMed below 0.00001; gnomAD 0.00001; gnomAD exomes 0.00001 and 0.00002; ExAC 0.00003.
gnomAD v4.1: 13 of 1,613,048 alleles (0.00081%); highest among the groups gnomAD compares: East Asian, 0.02%; no homozygotes.

Submissions (2):

Labcorp Genetics (formerly Invitae), Labcorp
Classification: Uncertain significance. Last evaluated: 2022-04-04. Review status: criteria provided, single submitter. Criteria: Invitae Variant Classification Sherloc (09022015). Collection method: clinical testing. Allele origin: germline.
Comment: This sequence change falls in intron 6 of the TGM6 gene. It does not directly change the encoded amino acid sequence of the TGM6 protein. It affects a nucleotide within the consensus splice site. This variant is present in population databases (rs765181893, gnomAD 0.03%). This variant has not been reported in the literature in individuals affected with TGM6-related conditions. ClinVar contains an entry for this variant (Variation ID: 895399). Variants that disrupt the consensus splice site are a relatively common cause of aberrant splicing (PMID: 17576681, 9536098). Algorithms developed to predict the effect of sequence changes on RNA splicing suggest that this variant is not likely to affect RNA splicing. In summary, the available evidence is currently insufficient to determine the role of this variant in disease. Therefore, it has been classified as a Variant of Uncertain Significance.

Illumina Laboratory Services, Illumina
Classification: Likely benign for Spinocerebellar ataxia type 35. Last evaluated: 2018-01-12. Review status: criteria provided, single submitter. Criteria: ICSL Variant Classification Criteria 13 December 2019. Collection method: clinical testing. Allele origin: germline.
Comment: This variant was observed in the ICSL laboratory as part of a predisposition screen in an ostensibly healthy population. It had not been previously curated by ICSL or reported in the Human Gene Mutation Database (HGMD: prior to June 1st, 2018), and was therefore a candidate for classification through an automated scoring system. Utilizing variant allele frequency, disease prevalence and penetrance estimates, and inheritance mode, an automated score was calculated to assess if this variant is too frequent to cause the disease. Based on the score and internal cut-off values, a variant classified as likely benign is not then subjected to further curation. The score for this variant resulted in a classification of likely benign for this disease.

Literature cited by the submitters: PubMed 17576681 (cited by Labcorp Genetics (formerly Invitae), Labcorp); PubMed 9536098 (cited by Labcorp Genetics (formerly Invitae), Labcorp).